The following is an entry in ClinVar:

ClinVar aggregate classification (germline): Conflicting classifications of pathogenicity. Review status: criteria provided, conflicting classifications (1 of 4 stars). 3 submissions from 3 submitters: Likely pathogenic (1); Uncertain significance (1); Likely benign (1). Last evaluated 2026-06-02.

Conditions:
Hereditary cancer-predisposing syndrome. Also called: Hereditary neoplastic syndrome; Neoplastic Syndromes, Hereditary; Tumor predisposition; Hereditary Cancer Syndrome. Identifiers: Orphanet 140162, MedGen C0027672, MeSH D009386, MONDO:0015356.
Ataxia-telangiectasia syndrome (AT). Also called: Ataxia telangiectasia (A-T); LOUIS-BAR SYNDROME; Cerebello-oculocutaneous telangiectasia; Immunodeficiency with ataxia telangiectasia; Ataxia-telangiectasia, complementation group D; AT, COMPLEMENTATION GROUP C. Identifiers: Orphanet 100, MedGen C0004135, MONDO:0008840, OMIM 208900.
Familial cancer of breast. Also called: Hereditary breast cancer; hereditary breast carcinoma; BREAST CANCER, FAMILIAL. Identifiers: Orphanet 227535, MedGen C0346153, MONDO:0016419, OMIM 114480. Disease mechanism: loss of function.

Submissions (3):

Ambry Genetics
Classification: Likely pathogenic for Hereditary cancer-predisposing syndrome. Last evaluated: 2026-06-02. Review status: criteria provided, single submitter. Criteria: Ambry Variant Classification Scheme 2023. Collection method: clinical testing. Allele origin: germline.
Comment: The c.7789-29_7789-16del14 intronic variant, located in intron 51 of the ATM gene, results from a deletion of 14 nucleotides within intron 51 of the ATM gene. In silico splice site analysis predicts that this alteration will weaken the native splice acceptor site. RNA studies have demonstrated that this alteration results in abnormal splicing in the set of samples tested (Ambry internal data). This variant is considered to be rare based on population cohorts in the Genome Aggregation Database (gnomAD). Based on the majority of available evidence to date, this variant is likely to be pathogenic.

Myriad Genetics, Inc.
Classification: Uncertain significance for Familial cancer of breast. Last evaluated: 2024-08-06. Review status: criteria provided, single submitter. Criteria: Myriad Autosomal Dominant, Autosomal Recessive and X-Linked Classification Criteria (2023). Collection method: clinical testing. Allele origin: unknown.
Comment: This variant is classified as a variant of uncertain significance as there is insufficient evidence to determine its impact on protein function and/or cancer risk.

Labcorp Genetics (formerly Invitae), Labcorp
Classification: Likely benign for Ataxia-telangiectasia syndrome. Last evaluated: 2021-12-23. Review status: criteria provided, single submitter. Criteria: Invitae Variant Classification Sherloc (09022015). Collection method: clinical testing. Allele origin: germline.

NM_000051.4(ATM):c.7789-29_7789-16del

Genes: ATM (ATM serine/threonine kinase; plus strand), C11orf65 (chromosome 11 open reading frame 65; minus strand). Cytogenetic location: 11q22.3.
Variant type: Deletion.
Coding change: c.7789-29_7789-16del on transcript NM_000051.4 (MANE Select); 29 bases into the intron before coding-DNA position 7789 through 16 bases into the intron before coding-DNA position 7789, 14 bases deleted (ATGTAATGTTTTTT).
Molecular consequence: intron variant.
Genome position (GRCh38, 1-based): chr11:108,332,733-108,332,746, ATGTAATGTTTTTT deleted; deleting any 14 consecutive bases within chr11:108,332,731-108,332,746 gives the same sequence; the c. name uses the placement nearest the transcript's 3' end. VCF-style (leftmost placement, unchanged base first): chr11-108332730-CTTATGTAATGTTTT-C. GRCh37 (hg19) VCF-style: chr11-108203457-CTTATGTAATGTTTT-C.
Other names: c.7789-29_7789-16del (NM_001351834.2); c.641-23673_641-23660del (NM_001330368.2); c.*38+2476_*38+2489del (NM_001351110.2).
Identifiers: ClinVar variation 1760621 (VCV001760621.10), dbSNP rs2547296556, ClinGen allele CA2580083545.
Genomic context (GRCh38, chr11:108,332,730, plus strand): 5'-ATAAATTCTGTTTTTCTCTTTGTTTTTCTAACTCTGAGAAGTTTAAATGTTGGGTAGTTC[CTTATGTAATGTTTT>C]TTGTTTTTTATTAATAGGATCGAACAGAGGCTGCAAATAGAATAATATGTACTATCAGAA-3'